The following is an entry in ClinVar:

ClinVar aggregate classification (germline): Uncertain significance. Review status: criteria provided, multiple submitters, no conflicts (2 of 4 stars). 2 submissions from 2 submitters: Uncertain significance (2). Last evaluated 2019-09-04.

Allele frequency attached by ClinVar (database versions not stated): gnomAD below 0.00001 and 0.00001; ExAC 0.00001; gnomAD exomes 0.00001.
gnomAD v4.1: 18 of 1,612,830 alleles (0.0011%); highest among the groups gnomAD compares: South Asian, 0.0022%; no homozygotes.

Submissions (2):

Revvity Omics, Revvity
Classification: Uncertain significance. Last evaluated: 2019-09-04. Review status: criteria provided, single submitter. Criteria: ACMG Guidelines, 2015. Collection method: clinical testing. Allele origin: germline.

GeneDx
Classification: Uncertain significance. Last evaluated: 2014-08-04. Review status: criteria provided, single submitter. Criteria: GeneDx Variant Classification (06012015). Collection method: clinical testing. Allele origin: germline. Affected: yes.
Comment: Missense variants in the TTN gene are considered 'unclassified' if they are not previously reported in the literature and do not have >1% frequency in the population to be considered a polymorphism. Research indicates that truncating mutations in the TTN gene are expected to account for approximately 25% of familial and 18% of sporadic idiopathic DCM; however, truncating variants in the TTN gene have been reported in approximately 3% of reported control alleles. There has been little investigation into non-truncating variants. (Herman D et al. Truncations of titin causing dilated cardiomyopathy. N Eng J Med 366:619-628, 2012) The variant is found in CARDIOMYOPATHY panel(s).

NM_001267550.2(TTN):c.63353G>A (p.Arg21118Gln)

Genes: TTN (titin; minus strand), TTN-AS1 (TTN antisense RNA 1; plus strand). Cytogenetic location: 2q31.2.
Variant type: single nucleotide variant.
Coding change: c.63353G>A on transcript NM_001267550.2 (MANE Select); coding-DNA position 63353, G replaced by A.
Protein change: p.Arg21118Gln; replaces arginine 21118 with glutamine.
Molecular consequence: missense variant.
Genome position (GRCh38, 1-based): chr2:178,588,054, C>T on the plus strand (G>A on the coding strand, the complement: TTN is on the minus strand). VCF-style: chr2-178588054-C-T. GRCh37 (hg19) VCF-style: chr2-179452781-C-T.
Other names: p.R19477Q:CGG>CAG; c.58430G>A, p.Arg19477Gln (NM_001256850.1); c.36158G>A, p.Arg12053Gln (NM_003319.4); c.55649G>A, p.Arg18550Gln (NM_133378.4); c.36533G>A, p.Arg12178Gln (NM_133432.3); c.36734G>A, p.Arg12245Gln (NM_133437.4); short protein forms R19477Q, R21118Q, R12053Q, R12178Q, R18550Q, R12245Q.
Identifiers: ClinVar variation 202773 (VCV000202773.5), dbSNP rs755796313, ClinGen allele CA310241.